The following is an entry in ClinVar:

ClinVar aggregate classification (germline): Benign/Likely benign. Review status: criteria provided, multiple submitters, no conflicts (2 of 4 stars). 5 submissions from 5 submitters: Benign (1); Likely benign (3). 1 of the submissions does not count toward it. Last evaluated 2026-01-27.

Conditions:
CHSY1-related disorder. Also called: CHSY1-related condition.
Temtamy preaxial brachydactyly syndrome (TPBS). Identifiers: Orphanet 363417, MedGen C1854466, MONDO:0011533, OMIM 605282.

Allele frequency attached by ClinVar (database versions not stated): ExAC 0.00064; 1000 Genomes Project 0.00100; 1000 Genomes Project 30x 0.00141; TOPMed 0.00210; ESP Exome Variant Server 0.00215.
gnomAD v4.1: 567 of 1,613,956 alleles (0.035%); highest among the groups gnomAD compares: African/African-American, 0.65%; 1 homozygote.

Submissions (5):

Labcorp Genetics (formerly Invitae), Labcorp
Classification: Benign for Temtamy preaxial brachydactyly syndrome. Last evaluated: 2026-01-27. Review status: criteria provided, single submitter. Criteria: Invitae Variant Classification Sherloc (09022015). Collection method: clinical testing. Allele origin: germline.

Blueprint Genetics
Classification: Likely benign. Last evaluated: 2024-07-18. Review status: criteria provided, single submitter. Criteria: ACMG Guidelines, 2015. Collection method: clinical testing. Allele origin: germline.

Eurofins Ntd Llc (ga)
Classification: Likely benign. Last evaluated: 2015-08-11. Review status: criteria provided, single submitter. Criteria: EGL Classification Definitions 2015. Collection method: clinical testing. Allele origin: germline. Observed: 1 variant allele, 1 heterozygote.

Breakthrough Genomics
Classification: Likely benign. Review status: criteria provided, single submitter. Criteria: ACMG Guidelines, 2015. Collection method: not provided. Allele origin: germline. Inheritance: Autosomal recessive inheritance. Affected: yes.

PreventionGenetics, part of Exact Sciences
Classification: Likely benign for CHSY1-related condition. Last evaluated: 2019-07-15. Review status: no assertion criteria provided. Collection method: clinical testing. Allele origin: germline. Not counted in ClinVar's aggregate classification.
Comment: This variant is classified as likely benign based on ACMG/AMP sequence variant interpretation guidelines (Richards et al. 2015 PMID: 25741868, with internal and published modifications).

NM_014918.5(CHSY1):c.666G>A (p.Gly222=)

Gene: CHSY1 (chondroitin sulfate synthase 1; minus strand). Cytogenetic location: 15q26.3.
Variant type: single nucleotide variant.
Coding change: c.666G>A on transcript NM_014918.5 (MANE Select); coding-DNA position 666, G replaced by A.
Protein change: p.Gly222=; no amino-acid change (glycine 222 retained).
Molecular consequence: synonymous variant.
Genome position (GRCh38, 1-based): chr15:101,235,232, C>T on the plus strand (G>A on the coding strand, the complement: CHSY1 is on the minus strand). VCF-style: chr15-101235232-C-T. GRCh37 (hg19) VCF-style: chr15-101775437-C-T.
Identifiers: ClinVar variation 282382 (VCV000282382.18), dbSNP rs74545602, ClinGen allele CA7762683.